The following is an entry in ClinVar:

NM_005654.6(NR2F1):c.17G>A (p.Ser6Asn)

Genes: NR2F1 (nuclear receptor subfamily 2 group F member 1; plus strand), NR2F1-AS1 (NR2F1 regulatory antisense RNA 1; minus strand). Cytogenetic location: 5q15.
Variant type: single nucleotide variant.
Coding change: c.17G>A on transcript NM_005654.6 (MANE Select); coding-DNA position 17, G replaced by A.
Protein change: p.Ser6Asn; replaces serine 6 with asparagine.
Molecular consequence: missense variant.
Genome position (GRCh38, 1-based): chr5:93,585,040, G>A. VCF-style: chr5-93585040-G-A. GRCh37 (hg19) VCF-style: chr5-92920746-G-A.
Other names: short protein forms S6N.
Identifiers: ClinVar variation 2010655 (VCV002010655.6), dbSNP rs2480800160, ClinGen allele CA360525340.

ClinVar aggregate classification (germline): Uncertain significance. Review status: criteria provided, multiple submitters, no conflicts (2 of 4 stars). 2 submissions from 2 submitters: Uncertain significance (2). Last evaluated 2025-06-28.

Allele frequency attached by ClinVar (database versions not stated): gnomAD exomes 0.00002.
gnomAD v4.1: 1 of 1,031,782 alleles (0.000097%); highest among the groups gnomAD compares: Non-Finnish European, 0.00012%; no homozygotes.

Submissions (2):

Dasa
Classification: Uncertain significance. Last evaluated: 2025-06-28. Review status: criteria provided, single submitter. Criteria: DASA Assertion Criteria. Collection method: clinical testing. Allele origin: germline.
Comment: NM_005654.6(NR2F1):c.17G>A (p.Ser6Asn) is a missense variant that results in the substitution of serine with asparagine. This variant is rare in population databases. Computational prediction algorithms are consistent with a benign effect. The currently available literature and clinical evidence are not sufficient to establish a definitive association between this variant and the reported condition. Therefore, this variant is classified as a variant of uncertain significance.

Labcorp Genetics (formerly Invitae), Labcorp
Classification: Uncertain significance. Last evaluated: 2025-04-28. Review status: criteria provided, single submitter. Criteria: Invitae Variant Classification Sherloc (09022015). Collection method: clinical testing. Allele origin: germline.
Comment: This sequence change replaces serine, which is neutral and polar, with asparagine, which is neutral and polar, at codon 6 of the NR2F1 protein (p.Ser6Asn). This variant is not present in population databases (gnomAD no frequency). This variant has not been reported in the literature in individuals affected with NR2F1-related conditions. ClinVar contains an entry for this variant (Variation ID: 2010655). Invitae Evidence Modeling of protein sequence and biophysical properties (such as structural, functional, and spatial information, amino acid conservation, physicochemical variation, residue mobility, and thermodynamic stability) indicates that this missense variant is not expected to disrupt NR2F1 protein function with a negative predictive value of 95%. In summary, the available evidence is currently insufficient to determine the role of this variant in disease. Therefore, it has been classified as a Variant of Uncertain Significance.